The following continues an entry in ClinVar:

NM_012434.5(SLC17A5):c.406A>G (p.Lys136Glu)

Gene: SLC17A5. ClinVar aggregate classification (germline): Pathogenic. Pathogenic (15).

Submissions 13 to 19 of 19:

Revvity Omics, Revvity
Classification: Pathogenic. Last evaluated: 2019-11-08. Review status: criteria provided, single submitter. Criteria: ACMG Guidelines, 2015. Collection method: clinical testing. Allele origin: germline.

Fulgent Genetics
Classification: Pathogenic for Sialic acid storage disease, severe infantile type; Salla disease. Last evaluated: 2018-10-31. Review status: criteria provided, single submitter. Criteria: ACMG Guidelines, 2015. Collection method: clinical testing. Allele origin: unknown.

Institute for Genomic Medicine (IGM) Clinical Laboratory, Nationwide Children's Hospital
Classification: Pathogenic for Salla disease; Sialic acid storage disease, severe infantile type. Last evaluated: 2018-02-20. Review status: criteria provided, single submitter. Criteria: ACMG Guidelines, 2015. Collection method: clinical testing. Allele origin: germline. Affected: yes.
Comment: [ACMG/AMP: PS3, PM2, PS4_Moderate, PP3, PP5] This alteration is supported by well-established in vitro or in vivo functional studies to have a damaging effect on protein function or splicing [PS3], is absent from or rarely observed in large-scale population databases [PM2], has previously been observed in multiple unrelated patients with the same phenotype [PS4_Moderate], is predicted to be damaging by multiple functional prediction tools [PP3], was reported as a pathogenic/likely pathogenic alteration by a reputable source (ClinVar or other correspondence from a clinical testing laboratory) [PP5].

Biochemical Molecular Genetic Laboratory, King Abdulaziz Medical City
Classification: Pathogenic for Salla disease. Last evaluated: 2019-09-26. Review status: no assertion criteria provided. Collection method: clinical testing. Allele origin: germline. Affected: yes. Not counted in ClinVar's aggregate classification.

Counsyl
Classification: Likely pathogenic for Salla disease. Last evaluated: 2014-03-30. Review status: no assertion criteria provided. Collection method: literature only. Allele origin: unknown. Inheritance: Autosomal recessive inheritance. Not counted in ClinVar's aggregate classification.

OMIM
Classification: Pathogenic for SALLA DISEASE. Last evaluated: 2005-12-01. Review status: no assertion criteria provided. Collection method: literature only. Allele origin: germline. Not counted in ClinVar's aggregate classification.

GeneReviews
No classification provided. Condition: Sialic acid storage disease, severe infantile type. Review status: no classification provided. Collection method: literature only. Allele origin: germline. Not counted in ClinVar's aggregate classification.

Literature cited by the submitters: PubMed 10947946 (cited by 6 submitters); PubMed 15516337 (cited by 6 submitters); PubMed 16170568 (cited by 6 submitters); PubMed 19557856 (cited by 5 submitters); PubMed 21781115 (cited by 6 submitters); PubMed 32371413 (cited by Ambry Genetics and Mayo Clinic Laboratories, Mayo Clinic); PubMed 33219631 (cited by Ambry Genetics); PubMed 15510212 (cited by 5 submitters); PubMed 20101035 (cited by Women's Health and Genetics/Laboratory Corporation of America, LabCorp); PubMed 37713976 (cited by Mayo Clinic Laboratories, Mayo Clinic); PubMed 20301643 (cited by GeneReviews).